The following is an entry in ClinVar:

ClinVar aggregate classification (germline): Likely benign. Review status: criteria provided, multiple submitters, no conflicts (2 of 4 stars). 2 submissions from 2 submitters: Likely benign (2). Last evaluated 2025-02-10.

Conditions:
Dilated cardiomyopathy 1HH (CMD1HH). Identifiers: Orphanet 154, MedGen C3151293, MONDO:0013479, OMIM 613881.
Myofibrillar myopathy 6. Identifiers: Orphanet 199340, MedGen C2751831, MONDO:0013061, OMIM 612954.

Allele frequency attached by ClinVar (database versions not stated): TOPMed below 0.00001.

Submissions (2):

Mayo Clinic Laboratories, Mayo Clinic
Classification: Likely benign. Last evaluated: 2025-02-10. Review status: criteria provided, single submitter. Criteria: ACMG Guidelines, 2015. Collection method: clinical testing. Allele origin: germline. Observed: 1 variant allele.
Comment: BP4, BP5, BP7

Labcorp Genetics (formerly Invitae), Labcorp
Classification: Likely benign for Dilated cardiomyopathy 1HH; Myofibrillar myopathy 6. Last evaluated: 2022-08-23. Review status: criteria provided, single submitter. Criteria: Invitae Variant Classification Sherloc (09022015). Collection method: clinical testing. Allele origin: germline.

Literature cited by the submitters: PubMed 36382946 (cited by Mayo Clinic Laboratories, Mayo Clinic).

NM_004281.4(BAG3):c.975A>T (p.Pro325=)

Gene: BAG3 (BAG cochaperone 3; plus strand). Cytogenetic location: 10q26.11.
Variant type: single nucleotide variant.
Coding change: c.975A>T on transcript NM_004281.4 (MANE Select); coding-DNA position 975, A replaced by T.
Protein change: p.Pro325=; no amino-acid change (proline 325 retained).
Molecular consequence: synonymous variant.
Genome position (GRCh38, 1-based): chr10:119,676,529, A>T. VCF-style: chr10-119676529-A-T. GRCh37 (hg19) VCF-style: chr10-121436041-A-T.
Other names: p.Pro325=.
Identifiers: ClinVar variation 743065 (VCV000743065.11), dbSNP rs1589632410, ClinGen allele CA471634811.